The following is an entry in ClinVar:

NM_000478.6(ALPL):c.380C>A (p.Thr127Asn)

Gene: ALPL (alkaline phosphatase, biomineralization associated; plus strand). Cytogenetic location: 1p36.12.
Variant type: single nucleotide variant.
Coding change: c.380C>A on transcript NM_000478.6 (MANE Select); coding-DNA position 380, C replaced by A.
Protein change: p.Thr127Asn; replaces threonine 127 with asparagine.
Molecular consequence: missense variant.
Genome position (GRCh38, 1-based): chr1:21,563,192, C>A. VCF-style: chr1-21563192-C-A. GRCh37 (hg19) VCF-style: chr1-21889685-C-A.
Other names: c.380C>A (NM_000478.5); c.215C>A, p.Thr72Asn (NM_001127501.4); c.149C>A, p.Thr50Asn (NM_001177520.3); c.380C>A, p.Thr127Asn (NM_001369803.2, NM_001369804.2, NM_001369805.2); short protein forms T50N, T127N, T72N.
Identifiers: ClinVar variation 2880035 (VCV002880035.5), dbSNP rs146517700, ClinGen allele CA19059239.
Genomic context (GRCh38, chr1:21,563,192, plus strand): 5'-TCCCTGACAGTGCCGGCACCGCCACCGCCTACCTGTGTGGGGTGAAGGCCAATGAGGGCA[C>A]CGTGGGGGTAAGCGCAGCCACTGAGCGTTCCCGGTGCAACACCACCCAGGGGAACGAGGT-3'
Protein context (NP_000469.3, residues 117-137): YLCGVKANEG[Thr127Asn]VGVSAATERS

ClinVar aggregate classification (germline): Conflicting classifications of pathogenicity. Review status: criteria provided, conflicting classifications (1 of 4 stars). 3 submissions from 3 submitters: Pathogenic (1); Uncertain significance (2). Last evaluated 2026-05-10.

Conditions:
Adult hypophosphatasia. Identifiers: Orphanet 247676, Orphanet 436, MedGen C0268413, MONDO:1010154, OMIM 146300, MONDO:0007798.
Childhood hypophosphatasia. Identifiers: Orphanet 247667, Orphanet 436, MedGen C0220743, MONDO:1010168, OMIM 241510, MONDO:0009428.
Infantile hypophosphatasia. Identifiers: Orphanet 247651, Orphanet 436, MedGen C0268412, MONDO:1010169, OMIM 241500, MONDO:0009427.
ALPL-related disorder. Also called: ALPL-related disorders; ALPL-related condition.

Allele frequency attached by ClinVar (database versions not stated): gnomAD exomes below 0.00001; ESP Exome Variant Server 0.00015.
gnomAD v4.1: 1 of 1,613,934 alleles (0.000062%); highest among the groups gnomAD compares: Non-Finnish European, 0.000085%; no homozygotes.

Submissions (3):

PreventionGenetics, part of Exact Sciences
Classification: Uncertain significance for ALPL-related condition. Last evaluated: 2026-05-10. Review status: criteria provided, single submitter. Criteria: ACMG Guidelines, 2015. Collection method: clinical testing. Allele origin: germline.
Comment: The ALPL c.380C>A variant is predicted to result in the amino acid substitution p.Thr127Asn. To our knowledge, this variant has not been reported in the literature or in a large population database (gnomAD), indicating this variant is rare. An alternative substitution affecting the same amino acid (p.Thr127Ile) has been reported in an individual with hypophosphatasia (Table S3, Kishnani. 2024. PubMed ID: 38884565). Although we suspect that this variant may be pathogenic, at this time, the clinical significance of this variant is uncertain due to the absence of conclusive functional and genetic evidence.

Labcorp Genetics (formerly Invitae), Labcorp
Classification: Pathogenic. Last evaluated: 2025-11-10. Review status: criteria provided, single submitter. Criteria: Invitae Variant Classification Sherloc (09022015). Collection method: clinical testing. Allele origin: germline.
Comment: This sequence change replaces threonine, which is neutral and polar, with asparagine, which is neutral and polar, at codon 127 of the ALPL protein (p.Thr127Asn). This variant is not present in population databases (gnomAD no frequency). This missense change has been observed in individual(s) with clinical features of ALPL-related conditions (internal data). ClinVar contains an entry for this variant (Variation ID: 2880035). Invitae Evidence Modeling of protein sequence and biophysical properties (such as structural, functional, and spatial information, amino acid conservation, physicochemical variation, residue mobility, and thermodynamic stability) indicates that this missense variant is expected to disrupt ALPL protein function with a positive predictive value of 95%. This variant disrupts the p.Thr127 amino acid residue in ALPL. Other variant(s) that disrupt this residue have been determined to be pathogenic (PMID: 29774402). This suggests that this residue is clinically significant, and that variants that disrupt this residue are likely to be disease-causing. For these reasons, this variant has been classified as Pathogenic.

Fulgent Genetics
Classification: Uncertain significance for Adult hypophosphatasia; Infantile hypophosphatasia; Childhood hypophosphatasia. Last evaluated: 2024-01-12. Review status: criteria provided, single submitter. Criteria: ACMG Guidelines, 2015. Collection method: clinical testing. Allele origin: germline.

Literature cited by the submitters: PubMed 29774402 (cited by Labcorp Genetics (formerly Invitae), Labcorp).